The following is an entry in ClinVar:

NM_205836.3(FBXO38):c.1991C>T (p.Pro664Leu)

Gene: FBXO38 (F-box protein 38; plus strand). Cytogenetic location: 5q32.
Variant type: single nucleotide variant.
Coding change: c.1991C>T on transcript NM_205836.3 (MANE Select); coding-DNA position 1991, C replaced by T.
Protein change: p.Pro664Leu; replaces proline 664 with leucine.
Molecular consequence: missense variant. On other transcripts: intron variant (1).
Genome position (GRCh38, 1-based): chr5:148,427,285, C>T. VCF-style: chr5-148427285-C-T. GRCh37 (hg19) VCF-style: chr5-147806848-C-T.
Other names: c.1991C>T, p.Pro664Leu (NM_030793.5); c.1918+1584C>T (NM_001271723.2); short protein forms P664L.
Identifiers: ClinVar variation 2726851 (VCV002726851.3), dbSNP rs1753765028, ClinGen allele CA361656426.

ClinVar aggregate classification (germline): Uncertain significance (1 of 4 stars; one submission).

Conditions:
Distal hereditary motor neuropathy type 2. Identifiers: Orphanet 139525, MedGen C3711384, MeSH C580044, MONDO:0015352.

Allele frequency attached by ClinVar (database versions not stated): gnomAD exomes below 0.00001.

Submission:

Labcorp Genetics (formerly Invitae), Labcorp
Classification: Uncertain significance for Distal hereditary motor neuropathy type 2. Last evaluated: 2023-06-24. Review status: criteria provided, single submitter. Criteria: Invitae Variant Classification Sherloc (09022015). Collection method: clinical testing. Allele origin: germline.
Comment: This sequence change replaces proline, which is neutral and non-polar, with leucine, which is neutral and non-polar, at codon 664 of the FBXO38 protein (p.Pro664Leu). This variant is not present in population databases (gnomAD no frequency). This variant has not been reported in the literature in individuals affected with FBXO38-related conditions. Advanced modeling of protein sequence and biophysical properties (such as structural, functional, and spatial information, amino acid conservation, physicochemical variation, residue mobility, and thermodynamic stability) performed at Invitae indicates that this missense variant is not expected to disrupt FBXO38 protein function. In summary, the available evidence is currently insufficient to determine the role of this variant in disease. Therefore, it has been classified as a Variant of Uncertain Significance.